The following is an entry in ClinVar:

ClinVar aggregate classification (germline): Likely pathogenic (1 of 4 stars; one submission).

Allele frequency attached by ClinVar (database versions not stated): gnomAD exomes below 0.00001; TOPMed below 0.00001.
gnomAD v4.1: 4 of 1,613,714 alleles (0.00025%); highest among the groups gnomAD compares: South Asian, 0.0022%; no homozygotes.

Submission:

Labcorp Genetics (formerly Invitae), Labcorp
Classification: Likely pathogenic. Last evaluated: 2023-01-28. Review status: criteria provided, single submitter. Criteria: Invitae Variant Classification Sherloc (09022015). Collection method: clinical testing. Allele origin: germline.
Comment: In summary, the currently available evidence indicates that the variant is pathogenic, but additional data are needed to prove that conclusively. Therefore, this variant has been classified as Likely Pathogenic. This sequence change affects an acceptor splice site in intron 28 of the TG gene. It is expected to disrupt RNA splicing. Variants that disrupt the donor or acceptor splice site typically lead to a loss of protein function (PMID: 16199547), and loss-of-function variants in TG are known to be pathogenic (PMID: 19837936, 23164529). This variant is not present in population databases (gnomAD no frequency). This variant has not been reported in the literature in individuals affected with TG-related conditions. Algorithms developed to predict the effect of sequence changes on RNA splicing suggest that this variant may disrupt the consensus splice site.

Literature cited by the submitters: PubMed 16199547; PubMed 19837936; PubMed 23164529.

NM_003235.5(TG):c.5468-2A>G

Gene: TG (thyroglobulin; plus strand). Cytogenetic location: 8q24.22.
Variant type: single nucleotide variant.
Coding change: c.5468-2A>G on transcript NM_003235.5 (MANE Select); the canonical splice acceptor site of the intron before coding-DNA position 5468, A replaced by G.
Molecular consequence: splice acceptor variant.
Genome position (GRCh38, 1-based): chr8:132,962,992, A>G. VCF-style: chr8-132962992-A-G. GRCh37 (hg19) VCF-style: chr8-133975237-A-G.
Identifiers: ClinVar variation 2868978 (VCV002868978.3), dbSNP rs1020441267, ClinGen allele CA186288647.
Genomic context (GRCh38, chr8:132,962,992, plus strand): 5'-TTGACCAGTGGAGTACTACCCATTCTCCCCAACATTGCAACAACTCTTTTTTTTCCTCCT[A>G]GATTCTGACATGGGGTCTCGGCCTGAGTCTATGGGATGTAGAAAAGACACAGTGCCAAGG-3'